The following is an entry in ClinVar:

ClinVar aggregate classification (germline): Uncertain significance (1 of 4 stars; one submission).

Submission:

Labcorp Genetics (formerly Invitae), Labcorp
Classification: Uncertain significance. Last evaluated: 2025-08-20. Review status: criteria provided, single submitter. Criteria: Invitae Variant Classification Sherloc (09022015). Collection method: clinical testing. Allele origin: germline.
Comment: This sequence change replaces histidine, which is basic and polar, with tyrosine, which is neutral and polar, at codon 1336 of the ARID1A protein (p.His1336Tyr). This variant is not present in population databases (gnomAD no frequency). This variant has not been reported in the literature in individuals affected with ARID1A-related conditions. Experimental studies and prediction algorithms are not available or were not evaluated, and the functional significance of this variant is currently unknown. In summary, the available evidence is currently insufficient to determine the role of this variant in disease. Therefore, it has been classified as a Variant of Uncertain Significance.

NM_006015.6(ARID1A):c.4006C>T (p.His1336Tyr)

Gene: ARID1A (AT-rich interaction domain 1A; plus strand). Cytogenetic location: 1p36.11.
Variant type: single nucleotide variant.
Coding change: c.4006C>T on transcript NM_006015.6 (MANE Select); coding-DNA position 4006, C replaced by T.
Protein change: p.His1336Tyr; replaces histidine 1336 with tyrosine.
Molecular consequence: missense variant.
Genome position (GRCh38, 1-based): chr1:26,773,803, C>T. VCF-style: chr1-26773803-C-T. GRCh37 (hg19) VCF-style: chr1-27100294-C-T.
Other names: c.4006C>T, p.His1336Tyr (NM_139135.4); short protein forms H1336Y.
Identifiers: ClinVar variation 4725740 (VCV004725740.1).